The following is an entry in ClinVar:

NM_001354930.2(RIPK1):c.607G>A (p.Ala203Thr)

Gene: RIPK1 (receptor interacting serine/threonine kinase 1; plus strand). Cytogenetic location: 6p25.2.
Variant type: single nucleotide variant.
Coding change: c.607G>A on transcript NM_001354930.2 (MANE Select); coding-DNA position 607, G replaced by A.
Protein change: p.Ala203Thr; replaces alanine 203 with threonine.
Molecular consequence: missense variant.
Genome position (GRCh38, 1-based): chr6:3,083,232, G>A. VCF-style: chr6-3083232-G-A. GRCh37 (hg19) VCF-style: chr6-3083466-G-A.
Other names: c.118G>A, p.Ala40Thr (NM_001354932.2, NM_001354933.2, NM_001354934.2 and 1 more transcripts); c.607G>A, p.Ala203Thr (NM_003804.6); c.469G>A, p.Ala157Thr (NM_001354931.2); c.607G>A (NM_003804.3); short protein forms A203T, A157T, A40T.
Identifiers: ClinVar variation 2737661 (VCV002737661.4), dbSNP rs149432620, ClinGen allele CA3618238.

ClinVar aggregate classification (germline): Uncertain significance. Review status: criteria provided, multiple submitters, no conflicts (2 of 4 stars). 2 submissions from 2 submitters: Uncertain significance (2). Last evaluated 2025-04-02.

Conditions:
Inborn genetic diseases. Identifiers: MedGen C0950123, MeSH D030342.

gnomAD v4.1: 17 of 1,613,836 alleles (0.0011%); highest among the groups gnomAD compares: Admixed American, 0.0033%; 1 homozygote.

Submissions (2):

Ambry Genetics
Classification: Uncertain significance for Inborn genetic diseases. Last evaluated: 2025-04-02. Review status: criteria provided, single submitter. Criteria: Ambry Variant Classification Scheme 2023. Collection method: clinical testing. Allele origin: germline.

Labcorp Genetics (formerly Invitae), Labcorp
Classification: Uncertain significance. Last evaluated: 2023-05-16. Review status: criteria provided, single submitter. Criteria: Invitae Variant Classification Sherloc (09022015). Collection method: clinical testing. Allele origin: germline.
Comment: This sequence change replaces alanine, which is neutral and non-polar, with threonine, which is neutral and polar, at codon 203 of the RIPK1 protein (p.Ala203Thr). In summary, the available evidence is currently insufficient to determine the role of this variant in disease. Therefore, it has been classified as a Variant of Uncertain Significance. Algorithms developed to predict the effect of missense changes on protein structure and function output the following: SIFT: "Not Available"; PolyPhen-2: "Benign"; Align-GVGD: "Not Available". The threonine amino acid residue is found in multiple mammalian species, which suggests that this missense change does not adversely affect protein function. This variant has not been reported in the literature in individuals affected with RIPK1-related conditions. The frequency data for this variant in the population databases is considered unreliable, as metrics indicate poor data quality at this position in the gnomAD database.